The following is an entry in ClinVar:

NM_032590.5(KDM2B):c.2420A>G (p.Glu807Gly)

Gene: KDM2B (lysine demethylase 2B; minus strand). Cytogenetic location: 12q24.31.
Variant type: single nucleotide variant.
Coding change: c.2420A>G on transcript NM_032590.5 (MANE Select); coding-DNA position 2420, A replaced by G.
Protein change: p.Glu807Gly; replaces glutamic acid 807 with glycine.
Molecular consequence: missense variant.
Genome position (GRCh38, 1-based): chr12:121,444,043, T>C on the plus strand (A>G on the coding strand, the complement: KDM2B is on the minus strand). VCF-style: chr12-121444043-T-C. GRCh37 (hg19) VCF-style: chr12-121881846-T-C.
Other names: c.2327A>G, p.Glu776Gly (NM_001005366.2); short protein forms E776G, E807G.
Identifiers: ClinVar variation 3372591 (VCV003372591.2).

ClinVar aggregate classification (germline): Uncertain significance (1 of 4 stars; one submission).

Submission:

GeneDx
Classification: Uncertain significance. Last evaluated: 2025-07-01. Review status: criteria provided, single submitter. Criteria: GeneDx Variant Classification Process June 2021. Collection method: clinical testing. Allele origin: germline. Affected: yes.
Comment: In silico analysis supports that this missense variant has a deleterious effect on protein structure/function; Has not been previously published as pathogenic or benign to our knowledge